The following is an entry in ClinVar:

ClinVar aggregate classification (germline): Likely benign (1 of 4 stars; one submission).

Submission:

CeGaT Center for Human Genetics Tuebingen
Classification: Likely benign. Last evaluated: 2024-02-01. Review status: criteria provided, single submitter. Criteria: CeGaT Center For Human Genetics Tuebingen Variant Classification Criteria Version 2. Collection method: clinical testing. Allele origin: germline. Affected: yes. Observed: 1 variant allele.
Comment: COL1A1: PM2:Supporting, BP4, BP7

NM_000088.4(COL1A1):c.117C>G (p.Thr39=)

Gene: COL1A1 (collagen type I alpha 1 chain; minus strand). Cytogenetic location: 17q21.33.
Variant type: single nucleotide variant.
Coding change: c.117C>G on transcript NM_000088.4 (MANE Select); coding-DNA position 117, C replaced by G.
Protein change: p.Thr39=; no amino-acid change (threonine 39 retained).
Molecular consequence: synonymous variant.
Genome position (GRCh38, 1-based): chr17:50,199,934, G>C on the plus strand (C>G on the coding strand, the complement: COL1A1 is on the minus strand). VCF-style: chr17-50199934-G-C. GRCh37 (hg19) VCF-style: chr17-48277295-G-C.
Identifiers: ClinVar variation 3027333 (VCV003027333.22), dbSNP rs1907938421, ClinGen allele CA500852337.